The following is an entry in ClinVar:

NM_001166160.2(PPP1R9A):c.4104C>T (p.Ala1368=)

Gene: PPP1R9A (protein phosphatase 1 regulatory subunit 9A; plus strand). Cytogenetic location: 7q21.3.
Variant type: single nucleotide variant.
Coding change: c.4104C>T on transcript NM_001166160.2 (MANE Select); coding-DNA position 4104, C replaced by T.
Protein change: p.Ala1368=; no amino-acid change (alanine 1368 retained).
Molecular consequence: synonymous variant.
Genome position (GRCh38, 1-based): chr7:95,290,282, C>T. VCF-style: chr7-95290282-C-T. GRCh37 (hg19) VCF-style: chr7-94919594-C-T.
Other names: c.3870C>T, p.Ala1290= (NM_001166161.1); c.3741C>T, p.Ala1247= (NM_001166162.1); c.3252C>T, p.Ala1084= (NM_001166163.1); c.3276C>T, p.Ala1092= (NM_017650.3).
Identifiers: ClinVar variation 3041912 (VCV003041912.2), dbSNP rs61756426, ClinGen allele CA4350094.
Genomic context (GRCh38, chr7:95,290,282, plus strand): 5'-GGAGCAAGAGCAAATGCAGAGGAAGTCCAAAAAGACAGAAAAGATGACGTCAACTACAGC[C>T]GAGGGTGCTGGTGAGCAGTAACACATACCCTCTTACAGATGATGGAGATGCTCCAAGAGA-3'
Protein context (NP_001159632.1, residues 1358-1374): KKTEKMTSTT[Ala1368=]EGAGEQ

ClinVar aggregate classification (germline): Likely benign (0 of 4 stars; one submission).

Conditions:
PPP1R9A-related disorder. Also called: PPP1R9A-related condition.

Allele frequency attached by ClinVar (database versions not stated): gnomAD 0.00013; ExAC 0.00017; gnomAD exomes 0.00021; ESP Exome Variant Server 0.00023.
gnomAD v4.1: 325 of 1,611,062 alleles (0.02%); highest among the groups gnomAD compares: Non-Finnish European, 0.025%; no homozygotes.

Submission:

PreventionGenetics, part of Exact Sciences
Classification: Likely benign for PPP1R9A-related condition. Last evaluated: 2019-09-05. Review status: no assertion criteria provided. Collection method: clinical testing. Allele origin: germline.
Comment: This variant is classified as likely benign based on ACMG/AMP sequence variant interpretation guidelines (Richards et al. 2015 PMID: 25741868, with internal and published modifications).